The following is an entry in ClinVar:

ClinVar aggregate classification (germline): Uncertain significance (1 of 4 stars; one submission).

Allele frequency attached by ClinVar (database versions not stated): TOPMed below 0.00001.

Submission:

Labcorp Genetics (formerly Invitae), Labcorp
Classification: Uncertain significance. Last evaluated: 2020-02-22. Review status: criteria provided, single submitter. Criteria: Invitae Variant Classification Sherloc (09022015). Collection method: clinical testing. Allele origin: germline.
Comment: This sequence change replaces phenylalanine with leucine at codon 101 of the LRIT3 protein (p.Phe101Leu). The phenylalanine residue is moderately conserved and there is a small physicochemical difference between phenylalanine and leucine. This variant is not present in population databases (ExAC no frequency). This variant has not been reported in the literature in individuals with LRIT3-related conditions. Algorithms developed to predict the effect of missense changes on protein structure and function are either unavailable or do not agree on the potential impact of this missense change (SIFT: "Deleterious"; PolyPhen-2: "Possibly Damaging"; Align-GVGD: "Class C0"). In summary, the available evidence is currently insufficient to determine the role of this variant in disease. Therefore, it has been classified as a Variant of Uncertain Significance.

NM_198506.5(LRIT3):c.301T>C (p.Phe101Leu)

Gene: LRIT3 (leucine rich repeat, Ig-like and transmembrane domains 3; plus strand). Cytogenetic location: 4q25.
Variant type: single nucleotide variant.
Coding change: c.301T>C on transcript NM_198506.5 (MANE Select); coding-DNA position 301, T replaced by C.
Protein change: p.Phe101Leu; replaces phenylalanine 101 with leucine.
Molecular consequence: missense variant.
Genome position (GRCh38, 1-based): chr4:109,851,688, T>C. VCF-style: chr4-109851688-T-C. GRCh37 (hg19) VCF-style: chr4-110772844-T-C.
Other names: short protein forms F101L.
Identifiers: ClinVar variation 949277 (VCV000949277.6), dbSNP rs1734274306, ClinGen allele CA357871508.